The following is an entry in ClinVar:

NM_181507.2(HPS5):c.2525C>T (p.Pro842Leu)

Gene: HPS5 (HPS5 biogenesis of lysosomal organelles complex 2 subunit 2; minus strand). Cytogenetic location: 11p15.1.
Variant type: single nucleotide variant.
Coding change: c.2525C>T on transcript NM_181507.2 (MANE Select); coding-DNA position 2525, C replaced by T.
Protein change: p.Pro842Leu; replaces proline 842 with leucine.
Molecular consequence: missense variant.
Genome position (GRCh38, 1-based): chr11:18,287,929, G>A on the plus strand (C>T on the coding strand, the complement: HPS5 is on the minus strand). VCF-style: chr11-18287929-G-A. GRCh37 (hg19) VCF-style: chr11-18309476-G-A.
Other names: c.2183C>T, p.Pro728Leu (NM_007216.4, NM_181508.2); short protein forms P842L, P728L.
Identifiers: ClinVar variation 1406824 (VCV001406824.10), dbSNP rs149039105, ClinGen allele CA5909835.

ClinVar aggregate classification (germline): Conflicting classifications of pathogenicity. Review status: criteria provided, conflicting classifications (1 of 4 stars). 5 submissions from 5 submitters: Uncertain significance (3); Likely benign (1). 1 of the submissions does not count toward it. Last evaluated 2024-12-17.

Conditions:
HPS5-related disorder. Also called: HPS5-related condition.
Hermansky-Pudlak syndrome 5 (HPS5). Identifiers: Orphanet 231512, Orphanet 79430, MedGen C3888004, MONDO:0013557, OMIM 614074.
Inborn genetic diseases. Identifiers: MedGen C0950123, MeSH D030342.

Allele frequency attached by ClinVar (database versions not stated): gnomAD exomes 0.00001 and 0.00005; ExAC 0.00005; gnomAD 0.00022 and 0.00025; TOPMed 0.00025; ESP Exome Variant Server 0.00031.
gnomAD v4.1: 58 of 1,613,872 alleles (0.0036%); highest among the groups gnomAD compares: African/African-American, 0.061%; no homozygotes.

Submissions (5):

Women's Health and Genetics/Laboratory Corporation of America, LabCorp
Classification: Likely benign. Last evaluated: 2024-12-17. Review status: criteria provided, single submitter. Criteria: LabCorp Variant Classification Summary - May 2015. Collection method: clinical testing. Allele origin: germline.
Comment: Variant summary: HPS5 c.2525C>T (p.Pro842Leu) results in a non-conservative amino acid change located in the HPS5 TPR domain of the encoded protein sequence. Four of five in-silico tools predict a damaging effect of the variant on protein function. The variant allele was found at a frequency of 3.6e-05 in 1613872 control chromosomes, predominantly at a frequency of 0.00061 within the African or African-American subpopulation in the gnomAD database. The observed variant frequency within African or African-American control individuals in the gnomAD database is approximately 1.3 fold of the estimated maximal expected allele frequency for a pathogenic variant in HPS5 causing Hermansky-Pudlak Syndrome phenotype (0.00047). To our knowledge, no occurrence of c.2525C>T in individuals affected with Hermansky-Pudlak Syndrome and no experimental evidence demonstrating its impact on protein function have been reported. ClinVar contains an entry for this variant (Variation ID: 1406824). Based on the evidence outlined above, the variant was classified as likely benign.

Ambry Genetics
Classification: Uncertain significance for Inborn genetic diseases. Last evaluated: 2023-12-27. Review status: criteria provided, single submitter. Criteria: Ambry Variant Classification Scheme 2023. Collection method: clinical testing. Allele origin: germline.

Labcorp Genetics (formerly Invitae), Labcorp
Classification: Uncertain significance. Last evaluated: 2022-08-10. Review status: criteria provided, single submitter. Criteria: Invitae Variant Classification Sherloc (09022015). Collection method: clinical testing. Allele origin: germline.
Comment: This sequence change replaces proline, which is neutral and non-polar, with leucine, which is neutral and non-polar, at codon 842 of the HPS5 protein (p.Pro842Leu). This variant is present in population databases (rs149039105, gnomAD 0.06%). This variant has not been reported in the literature in individuals affected with HPS5-related conditions. ClinVar contains an entry for this variant (Variation ID: 1406824). Algorithms developed to predict the effect of missense changes on protein structure and function are either unavailable or do not agree on the potential impact of this missense change (SIFT: "Deleterious"; PolyPhen-2: "Benign"; Align-GVGD: "Class C0"). In summary, the available evidence is currently insufficient to determine the role of this variant in disease. Therefore, it has been classified as a Variant of Uncertain Significance.

Fulgent Genetics
Classification: Uncertain significance for Hermansky-Pudlak syndrome 5. Last evaluated: 2022-02-25. Review status: criteria provided, single submitter. Criteria: ACMG Guidelines, 2015. Collection method: clinical testing. Allele origin: unknown.

PreventionGenetics, part of Exact Sciences
Classification: Uncertain significance for HPS5-related condition. Last evaluated: 2024-01-16. Review status: no assertion criteria provided. Collection method: clinical testing. Allele origin: germline. Not counted in ClinVar's aggregate classification.
Comment: The HPS5 c.2525C>T variant is predicted to result in the amino acid substitution p.Pro842Leu. To our knowledge, this variant has not been reported in the literature. This variant is reported in 0.056% of alleles in individuals of African descent in gnomAD. At this time, the clinical significance of this variant is uncertain due to the absence of conclusive functional and genetic evidence.